The following is an entry in ClinVar:

ClinVar aggregate classification (germline): Uncertain significance (1 of 4 stars; one submission).

Conditions:
RASopathy. Also called: Noonan spectrum disorder; rasopathies. Identifiers: Orphanet 536391, MedGen C5555857, MONDO:0021060.

Submission:

Labcorp Genetics (formerly Invitae), Labcorp
Classification: Uncertain significance for RASopathy. Last evaluated: 2024-11-21. Review status: criteria provided, single submitter. Criteria: Invitae Variant Classification Sherloc (09022015). Collection method: clinical testing. Allele origin: germline.
Comment: This sequence change falls in intron 5 of the MAP2K1 gene. It does not directly change the encoded amino acid sequence of the MAP2K1 protein. It affects a nucleotide within the consensus splice site. This variant is not present in population databases (gnomAD no frequency). This variant has not been reported in the literature in individuals affected with MAP2K1-related conditions. Variants that disrupt the consensus splice site are a relatively common cause of aberrant splicing (PMID: 17576681, 9536098). Algorithms developed to predict the effect of sequence changes on RNA splicing suggest that this variant is not likely to affect RNA splicing. In summary, the available evidence is currently insufficient to determine the role of this variant in disease. Therefore, it has been classified as a Variant of Uncertain Significance.

Literature cited by the submitters: PubMed 17576681; PubMed 9536098.

NM_002755.4(MAP2K1):c.568+6_568+8del

Gene: MAP2K1 (mitogen-activated protein kinase kinase 1; plus strand). Cytogenetic location: 15q22.31.
Variant type: Microsatellite.
Coding change: c.568+6_568+8del on transcript NM_002755.4 (MANE Select); bases 6 to 8 of the intron after coding-DNA position 568, 3 bases deleted (AAG; older notation c.568+6_568+8delAAG).
Molecular consequence: intron variant.
Genome position (GRCh38, 1-based): chr15:66,444,713-66,444,715, AAG deleted; deleting any 3 consecutive bases within chr15:66,444,710-66,444,715 gives the same sequence; the c. name uses the placement nearest the transcript's 3' end. VCF-style (leftmost placement, unchanged base first): chr15-66444709-TAAG-T. GRCh37 (hg19) VCF-style: chr15-66737047-TAAG-T.
Other names: c.424+6_424+8del (NM_001411065.1).
Identifiers: ClinVar variation 3630460 (VCV003630460.2).